The following is an entry in ClinVar:

NM_003128.3(SPTBN1):c.4495-8C>T

Gene: SPTBN1 (spectrin beta, non-erythrocytic 1; plus strand). Cytogenetic location: 2p16.2.
Variant type: single nucleotide variant.
Coding change: c.4495-8C>T on transcript NM_003128.3 (MANE Select); 8 bases into the intron before coding-DNA position 4495, C replaced by T.
Molecular consequence: intron variant.
Genome position (GRCh38, 1-based): chr2:54,645,920, C>T. VCF-style: chr2-54645920-C-T. GRCh37 (hg19) VCF-style: chr2-54873057-C-T.
Other names: c.4456-8C>T (NM_178313.3).
Identifiers: ClinVar variation 777992 (VCV000777992.29), dbSNP rs182261480, ClinGen allele CA1661075.
Genomic context (GRCh38, chr2:54,645,920, plus strand): 5'-ACTGCTCGTTTGTGTCGTATATTTGTTCCTCTGAGTGGATCTGACCACTTATTTAAAATT[C>T]TTCCCAGTTGTGGGTTGGAGAGAGGATGCCTTTGGCAACTTCCACGGATCATGGCCACAA-3'

ClinVar aggregate classification (germline): Benign/Likely benign. Review status: criteria provided, multiple submitters, no conflicts (2 of 4 stars). 4 submissions from 4 submitters: Benign (3); Likely benign (1). Last evaluated 2026-06-01.

Allele frequency attached by ClinVar (database versions not stated): 1000 Genomes Project 0.00120; 1000 Genomes Project 30x 0.00141; ESP Exome Variant Server 0.00369; ExAC 0.00384; gnomAD 0.00390 and 0.00406; gnomAD exomes 0.00414 and 0.00514; TOPMed 0.00414.
gnomAD v4.1: 8,120 of 1,614,152 alleles (0.5%); highest among the groups gnomAD compares: Middle Eastern, 1.3%; 32 homozygotes.

Submissions (4):

CeGaT Center for Human Genetics Tuebingen
Classification: Benign. Last evaluated: 2026-06-01. Review status: criteria provided, single submitter. Criteria: CeGaT Center For Human Genetics Tuebingen Variant Classification Criteria Version 2. Collection method: clinical testing. Allele origin: germline. Affected: yes. Observed: 13 variant alleles.
Comment: SPTBN1: BP4, BS1, BS2

Genomic Medicine Center of Excellence, King Faisal Specialist Hospital and Research Centre
Classification: Likely benign. Last evaluated: 2025-08-18. Review status: criteria provided, single submitter. Criteria: ACMG Guidelines, 2015. Collection method: clinical testing. Allele origin: germline.

Labcorp Genetics (formerly Invitae), Labcorp
Classification: Benign. Last evaluated: 2018-06-23. Review status: criteria provided, single submitter. Criteria: Invitae Variant Classification Sherloc (09022015). Collection method: clinical testing. Allele origin: germline.

Breakthrough Genomics
Classification: Benign. Review status: criteria provided, single submitter. Criteria: ACMG Guidelines, 2015. Collection method: not provided. Allele origin: germline. Inheritance: Autosomal dominant inheritance. Affected: yes.